The following is an entry in ClinVar:

ClinVar aggregate classification (germline): Likely benign. Review status: criteria provided, multiple submitters, no conflicts (2 of 4 stars). 3 submissions from 3 submitters: Likely benign (3). Last evaluated 2026-09-01.

Allele frequency attached by ClinVar (database versions not stated): gnomAD 0.00002; gnomAD exomes 0.00002 and 0.00003; ExAC 0.00005; 1000 Genomes Project 30x 0.00031; 1000 Genomes Project 0.00040.
gnomAD v4.1: 30 of 1,614,050 alleles (0.0019%); highest among the groups gnomAD compares: South Asian, 0.021%; no homozygotes.

Submissions (3):

CeGaT Center for Human Genetics Tuebingen
Classification: Likely benign. Last evaluated: 2026-09-01. Review status: criteria provided, single submitter. Criteria: CeGaT Center For Human Genetics Tuebingen Variant Classification Criteria Version 2. Collection method: clinical testing. Allele origin: germline. Affected: yes. Observed: 2 variant alleles.
Comment: NR2F1: BP4, BP7

Labcorp Genetics (formerly Invitae), Labcorp
Classification: Likely benign. Last evaluated: 2025-03-17. Review status: criteria provided, single submitter. Criteria: Invitae Variant Classification Sherloc (09022015). Collection method: clinical testing. Allele origin: germline.

Blueprint Genetics
Classification: Likely benign. Last evaluated: 2023-04-03. Review status: criteria provided, single submitter. Criteria: ACMG Guidelines, 2015. Collection method: clinical testing. Allele origin: germline.

NM_005654.6(NR2F1):c.1050C>T (p.Cys350=)

Gene: NR2F1 (nuclear receptor subfamily 2 group F member 1; plus strand). Cytogenetic location: 5q15.
Variant type: single nucleotide variant.
Coding change: c.1050C>T on transcript NM_005654.6 (MANE Select); coding-DNA position 1050, C replaced by T.
Protein change: p.Cys350=; no amino-acid change (cysteine 350 retained).
Molecular consequence: synonymous variant.
Genome position (GRCh38, 1-based): chr5:93,593,620, C>T. VCF-style: chr5-93593620-C-T. GRCh37 (hg19) VCF-style: chr5-92929326-C-T.
Identifiers: ClinVar variation 1598251 (VCV001598251.28), dbSNP rs530910180, ClinGen allele CA3343230.